The following is an entry in ClinVar:

ClinVar aggregate classification (germline): Uncertain significance (1 of 4 stars; one submission).

Conditions:
Hereditary cancer-predisposing syndrome. Also called: Tumor predisposition; Hereditary neoplastic syndrome; Hereditary Cancer Syndrome; Neoplastic Syndromes, Hereditary. Identifiers: Orphanet 140162, MedGen C0027672, MeSH D009386, MONDO:0015356.

Submission:

Ambry Genetics
Classification: Uncertain significance for Hereditary cancer-predisposing syndrome. Last evaluated: 2024-02-06. Review status: criteria provided, single submitter. Criteria: Ambry Variant Classification Scheme 2023. Collection method: clinical testing. Allele origin: germline.
Comment: The p.E75K variant (also known as c.223G>A), located in coding exon 3 of the XRCC2 gene, results from a G to A substitution at nucleotide position 223. The glutamic acid at codon 75 is replaced by lysine, an amino acid with similar properties. This amino acid position is conserved. In addition, this alteration is predicted to be tolerated by in silico analysis. Based on the available evidence, the clinical significance of this alteration remains unclear.

NM_005431.2(XRCC2):c.223G>A (p.Glu75Lys)

Gene: XRCC2 (X-ray repair cross complementing 2; minus strand). Cytogenetic location: 7q36.1.
Variant type: single nucleotide variant.
Coding change: c.223G>A on transcript NM_005431.2 (MANE Select); coding-DNA position 223, G replaced by A.
Protein change: p.Glu75Lys; replaces glutamic acid 75 with lysine.
Molecular consequence: missense variant.
Genome position (GRCh38, 1-based): chr7:152,649,262, C>T on the plus strand (G>A on the coding strand, the complement: XRCC2 is on the minus strand). VCF-style: chr7-152649262-C-T. GRCh37 (hg19) VCF-style: chr7-152346347-C-T.
Other names: short protein forms E75K.
Identifiers: ClinVar variation 3224665 (VCV003224665.1), dbSNP rs1327414828, ClinGen allele CA370199168.
Genomic context (GRCh38, chr7:152,649,262, plus strand): 5'-TTGTAACTAGCCGGAGCATATCAAAGTGGTAATCTGTATCAATAAATAAGACTTCTACTT[C>T]CAGGCCACCTTCTGATTTGGGAAGTATACATCGTGCTGTTAGGTGATAAAGCATTTCTGT-3'
Protein context (NP_005422.1, residues 65-85): CILPKSEGGL[Glu75Lys]VEVLFIDTDY